The following is an entry in ClinVar:

NM_004304.5(ALK):c.10A>G (p.Ile4Val)

Gene: ALK (ALK receptor tyrosine kinase; minus strand). Cytogenetic location: 2p23.1.
Variant type: single nucleotide variant.
Coding change: c.10A>G on transcript NM_004304.5 (MANE Select); coding-DNA position 10, A replaced by G.
Protein change: p.Ile4Val; replaces isoleucine 4 with valine.
Molecular consequence: missense variant.
Genome position (GRCh38, 1-based): chr2:29,920,650, T>C on the plus strand (A>G on the coding strand, the complement: ALK is on the minus strand). VCF-style: chr2-29920650-T-C. GRCh37 (hg19) VCF-style: chr2-30143516-T-C.
Other names: c.10A>G (NM_004304.4); short protein forms I4V.
Identifiers: ClinVar variation 3616144 (VCV003616144.3).

ClinVar aggregate classification (germline): Conflicting classifications of pathogenicity. Review status: criteria provided, conflicting classifications (1 of 4 stars). 2 submissions from 2 submitters: Uncertain significance (1); Likely benign (1). Last evaluated 2026-05-05.

Conditions:
Hereditary cancer-predisposing syndrome. Also called: Hereditary neoplastic syndrome; Tumor predisposition; Hereditary Cancer Syndrome; Neoplastic Syndromes, Hereditary. Identifiers: Orphanet 140162, MedGen C0027672, MeSH D009386, MONDO:0015356.
Neuroblastoma, susceptibility to, 3. Also called: ALK-Related Neuroblastic Tumor Susceptibility. Identifiers: Orphanet 635, MedGen C2751681, MONDO:0013083, OMIM 613014.

gnomAD v4.1: 1 of 1,537,138 alleles (0.000065%); highest among the groups gnomAD compares: Non-Finnish European, 0.000087%; no homozygotes.

Submissions (2):

Ambry Genetics
Classification: Likely benign for Hereditary cancer-predisposing syndrome. Last evaluated: 2026-05-05. Review status: criteria provided, single submitter. Criteria: Ambry Variant Classification Scheme 2023. Collection method: clinical testing. Allele origin: germline.

Labcorp Genetics (formerly Invitae), Labcorp
Classification: Uncertain significance for Neuroblastoma, susceptibility to, 3. Last evaluated: 2024-02-18. Review status: criteria provided, single submitter. Criteria: Invitae Variant Classification Sherloc (09022015). Collection method: clinical testing. Allele origin: germline.
Comment: This sequence change replaces isoleucine, which is neutral and non-polar, with valine, which is neutral and non-polar, at codon 4 of the ALK protein (p.Ile4Val). The frequency data for this variant in the population databases is considered unreliable, as metrics indicate poor data quality at this position in the gnomAD database. This variant has not been reported in the literature in individuals affected with ALK-related conditions. An algorithm developed to predict the effect of missense changes on protein structure and function (PolyPhen-2) suggests that this variant is likely to be tolerated. In summary, the available evidence is currently insufficient to determine the role of this variant in disease. Therefore, it has been classified as a Variant of Uncertain Significance.